The following is an entry in ClinVar:

NM_001271.4(CHD2):c.4238G>A (p.Gly1413Glu)

Gene: CHD2 (chromodomain helicase DNA binding protein 2; plus strand). Cytogenetic location: 15q26.1.
Variant type: single nucleotide variant.
Coding change: c.4238G>A on transcript NM_001271.4 (MANE Select); coding-DNA position 4238, G replaced by A.
Protein change: p.Gly1413Glu; replaces glycine 1413 with glutamic acid.
Molecular consequence: missense variant.
Genome position (GRCh38, 1-based): chr15:93,002,277, G>A. VCF-style: chr15-93002277-G-A. GRCh37 (hg19) VCF-style: chr15-93545507-G-A.
Other names: short protein forms G1413E.
Identifiers: ClinVar variation 2581727 (VCV002581727.4), dbSNP rs2054267044, ClinGen allele CA393901296.

ClinVar aggregate classification (germline): Uncertain significance. Review status: criteria provided, multiple submitters, no conflicts (2 of 4 stars). 2 submissions from 2 submitters: Uncertain significance (2). Last evaluated 2023-04-02.

Conditions:
Developmental and epileptic encephalopathy 94 (DEE94). Also called: Epileptic encephalopathy, childhood-onset; CHD2-Related Neurodevelopmental Disorders. Identifiers: Orphanet 1942, Orphanet 2382, MedGen C3809278, MONDO:0014150, OMIM 615369.

Allele frequency attached by ClinVar (database versions not stated): TOPMed below 0.00001.

Submissions (2):

GeneDx
Classification: Uncertain significance. Last evaluated: 2023-04-02. Review status: criteria provided, single submitter. Criteria: GeneDx Variant Classification Process June 2021. Collection method: clinical testing. Allele origin: germline. Affected: yes.
Comment: Not observed at significant frequency in large population cohorts (gnomAD); In silico analysis supports that this missense variant does not alter protein structure/function; Has not been previously published as pathogenic or benign to our knowledge

Labcorp Genetics (formerly Invitae), Labcorp
Classification: Uncertain significance for Developmental and epileptic encephalopathy 94. Last evaluated: 2022-11-14. Review status: criteria provided, single submitter. Criteria: Invitae Variant Classification Sherloc (09022015). Collection method: clinical testing. Allele origin: germline.
Comment: In summary, the available evidence is currently insufficient to determine the role of this variant in disease. Therefore, it has been classified as a Variant of Uncertain Significance. This sequence change replaces glycine, which is neutral and non-polar, with glutamic acid, which is acidic and polar, at codon 1413 of the CHD2 protein (p.Gly1413Glu). This variant is not present in population databases (gnomAD no frequency). This variant has not been reported in the literature in individuals affected with CHD2-related conditions. Advanced modeling of protein sequence and biophysical properties (such as structural, functional, and spatial information, amino acid conservation, physicochemical variation, residue mobility, and thermodynamic stability) performed at Invitae indicates that this missense variant is not expected to disrupt CHD2 protein function.